The following is an entry in ClinVar:

ClinVar aggregate classification (germline): Uncertain significance (1 of 4 stars; one submission).

Conditions:
Hereditary cancer-predisposing syndrome. Also called: Hereditary neoplastic syndrome; Neoplastic Syndromes, Hereditary; Tumor predisposition; Hereditary Cancer Syndrome. Identifiers: Orphanet 140162, MedGen C0027672, MeSH D009386, MONDO:0015356.

Submission:

Ambry Genetics
Classification: Uncertain significance for Hereditary cancer-predisposing syndrome. Last evaluated: 2024-12-20. Review status: criteria provided, single submitter. Criteria: Ambry Variant Classification Scheme 2023. Collection method: clinical testing. Allele origin: germline.
Comment: The c.4670_4672delCCA variant (also known as p.T1557del) is located in coding exon 10 of the BRCA2 gene. This variant results from an in-frame CCA deletion at nucleotide positions 4670 to 4672. This results in the in-frame deletion of a threonine at codon 1557. This amino acid position is not well conserved in available vertebrate species. In addition, this alteration is predicted to be deleterious by in silico analysis (Choi Y et al. PLoS ONE. 2012; 7(10):e46688). Based on the available evidence, the clinical significance of this variant remains unclear.

NM_000059.4(BRCA2):c.4670_4672del (p.Thr1557del)

Gene: BRCA2 (BRCA2 DNA repair associated; plus strand). Cytogenetic location: 13q13.1.
Variant type: Deletion.
Coding change: c.4670_4672del on transcript NM_000059.4 (MANE Select); coding-DNA positions 4670 to 4672, 3 bases deleted (CCA; older notation c.4670_4672delCCA).
Protein change: p.Thr1557del; deletes threonine 1557.
Molecular consequence: inframe deletion. On other transcripts: non-coding transcript variant (1), intron variant (2).
Genome position (GRCh38, 1-based): chr13:32,339,025-32,339,027, CCA deleted; deleting any 3 consecutive bases within chr13:32,339,023-32,339,027 gives the same sequence; the c. name uses the placement nearest the transcript's 3' end. VCF-style (leftmost placement, unchanged base first): chr13-32339022-TCAC-T. GRCh37 (hg19) VCF-style: chr13-32913159-TCAC-T.
Other names: c.4670_4672del, p.Thr1557del (NM_001406719.1, NM_001406720.1, NM_001432077.1); c.1910-5533_1910-5531del (NM_001406721.1); c.425-5533_425-5531del (NM_001406722.1); short protein forms T1557del.
Identifiers: ClinVar variation 3825383 (VCV003825383.1).